The following is an entry in ClinVar:

ClinVar aggregate classification (germline): Uncertain significance (1 of 4 stars; one submission).

Submission:

Ambry Genetics
Classification: Uncertain significance. Last evaluated: 2026-08-16. Review status: criteria provided, single submitter. Criteria: Ambry Variant Classification Scheme 2023. Collection method: clinical testing. Allele origin: germline.
Comment: The p.E321K variant (also known as c.961G>A), located in coding exon 9 of the A2ML1 gene, results from a G to A substitution at nucleotide position 961. The glutamic acid at codon 321 is replaced by lysine, an amino acid with similar properties. This amino acid position is conserved. In addition, this alteration is predicted to be tolerated by in silico analysis. Based on the available evidence, the clinical significance of this variant remains unclear.

NM_144670.6(A2ML1):c.961G>A (p.Glu321Lys)

Gene: A2ML1 (alpha-2-macroglobulin like 1; plus strand). Cytogenetic location: 12p13.31.
Variant type: single nucleotide variant.
Coding change: c.961G>A on transcript NM_144670.6 (MANE Select); coding-DNA position 961, G replaced by A.
Protein change: p.Glu321Lys; replaces glutamic acid 321 with lysine.
Molecular consequence: missense variant.
Genome position (GRCh38, 1-based): chr12:8,838,441, G>A. VCF-style: chr12-8838441-G-A. GRCh37 (hg19) VCF-style: chr12-8991037-G-A.
Other names: short protein forms E321K.
Identifiers: ClinVar variation 5027847 (VCV005027847.1).